The following is an entry in ClinVar:

NM_001330260.2(SCN8A):c.4727T>C (p.Leu1576Ser)

Gene: SCN8A (sodium voltage-gated channel alpha subunit 8; plus strand). Cytogenetic location: 12q13.13.
Variant type: single nucleotide variant.
Coding change: c.4727T>C on transcript NM_001330260.2 (MANE Select); coding-DNA position 4727, T replaced by C.
Protein change: p.Leu1576Ser; replaces leucine 1576 with serine.
Molecular consequence: missense variant.
Genome position (GRCh38, 1-based): chr12:51,794,573, T>C. VCF-style: chr12-51794573-T-C. GRCh37 (hg19) VCF-style: chr12-52188357-T-C.
Other names: c.4604T>C, p.Leu1535Ser (NM_001177984.3, NM_001369788.1); c.4727T>C, p.Leu1576Ser (NM_014191.4); short protein forms L1535S, L1576S.
Identifiers: ClinVar variation 1021405 (VCV001021405.9), dbSNP rs953377308, ClinGen allele CA236318877.
Genomic context (GRCh38, chr12:51,794,573, plus strand): 5'-GGATTAACCTGGTGTTTGTTATCTTCTTCACCTGTGAGTGTGTGCTCAAAATGTTTGCGT[T>C]GAGGCACTACTACTTCACCATTGGCTGGAACATCTTCGACTTCGTGGTAGTCATCCTCTC-3'
Protein context (NP_001317189.1, residues 1566-1586): TCECVLKMFA[Leu1576Ser]RHYYFTIGWN

ClinVar aggregate classification (germline): Uncertain significance (1 of 4 stars; one submission).

Conditions:
Early-infantile DEE. Also called: Ohtahara syndrome; Early infantile epileptic encephalopathy; Early infantile epileptic encephalopathy with suppression bursts. Identifiers: Orphanet 1934, MedGen C0393706, MONDO:0800491.

Allele frequency attached by ClinVar (database versions not stated): TOPMed below 0.00001.

Submission:

Labcorp Genetics (formerly Invitae), Labcorp
Classification: Uncertain significance for Early-infantile DEE. Last evaluated: 2020-11-18. Review status: criteria provided, single submitter. Criteria: Invitae Variant Classification Sherloc (09022015). Collection method: clinical testing. Allele origin: germline.
Comment: In summary, the available evidence is currently insufficient to determine the role of this variant in disease. Therefore, it has been classified as a Variant of Uncertain Significance. Algorithms developed to predict the effect of missense changes on protein structure and function are either unavailable or do not agree on the potential impact of this missense change (SIFT: "Deleterious"; PolyPhen-2: "Probably Damaging"; Align-GVGD: "Class C0"). This variant has not been reported in the literature in individuals with SCN8A-related conditions. This variant is not present in population databases (ExAC no frequency). This sequence change replaces leucine with serine at codon 1576 of the SCN8A protein (p.Leu1576Ser). The leucine residue is highly conserved and there is a large physicochemical difference between leucine and serine.